The following is an entry in ClinVar:

ClinVar aggregate classification (germline): Likely benign (1 of 4 stars; one submission).

Allele frequency attached by ClinVar (database versions not stated): ExAC 0.00141; gnomAD exomes 0.00182; gnomAD 0.00257; TOPMed 0.00446; 1000 Genomes Project 0.00459; 1000 Genomes Project 30x 0.00484.
gnomAD v4.1: 1,574 of 792,826 alleles (0.2%); highest among the groups gnomAD compares: Admixed American, 2.3%; 23 homozygotes.

Submission:

GeneDx
Classification: Likely benign. Last evaluated: 2018-10-19. Review status: criteria provided, single submitter. Criteria: GeneDx Variant Classification Process June 2021. Collection method: clinical testing. Allele origin: germline. Affected: yes.
Comment: See Variant Classification Assertion Criteria.

NM_032122.5(DTNBP1):c.488+197G>A

Gene: DTNBP1 (dystrobrevin binding protein 1; minus strand). Cytogenetic location: 6p22.3.
Variant type: single nucleotide variant.
Coding change: c.488+197G>A on transcript NM_032122.5 (MANE Select); 197 bases into the intron after coding-DNA position 488, G replaced by A.
Molecular consequence: intron variant.
Genome position (GRCh38, 1-based): chr6:15,615,070, C>T on the plus strand (G>A on the coding strand, the complement: DTNBP1 is on the minus strand). VCF-style: chr6-15615070-C-T. GRCh37 (hg19) VCF-style: chr6-15615301-C-T.
Other names: c.383+197G>A (NM_001271669.2); c.437+197G>A (NM_001271668.2); c.245+197G>A (NM_001271667.2); c.488+197G>A (NM_183040.2).
Identifiers: ClinVar variation 1706808 (VCV001706808.2), dbSNP rs143014377, ClinGen allele CA3644107.